The following is an entry in ClinVar:

NM_000092.5(COL4A4):c.3512C>G (p.Ser1171Cys)

Gene: COL4A4 (collagen type IV alpha 4 chain; minus strand). Cytogenetic location: 2q36.3.
Variant type: single nucleotide variant.
Coding change: c.3512C>G on transcript NM_000092.5 (MANE Select); coding-DNA position 3512, C replaced by G.
Protein change: p.Ser1171Cys; replaces serine 1171 with cysteine.
Molecular consequence: missense variant.
Genome position (GRCh38, 1-based): chr2:227,033,475, G>C on the plus strand (C>G on the coding strand, the complement: COL4A4 is on the minus strand). VCF-style: chr2-227033475-G-C. GRCh37 (hg19) VCF-style: chr2-227898191-G-C.
Other names: short protein forms S1171C.
Identifiers: ClinVar variation 4699066 (VCV004699066.2).
Genomic context (GRCh38, chr2:227,033,475, plus strand): 5'-GCACCTTTAGTTCCTTTCTGACCTTTCAATCCATGCAAGCCGTTCAGGCCAGGTGATCCG[G>C]AGGGACCTGAAAAACACCACAGGCCTGTGACCCAAAGGAAGACCAGCCACCGGTACTCAC-3'
Protein context (NP_000083.3, residues 1161-1181): IPGPPGIKGP[Ser1171Cys]GSPGLNGLHG

ClinVar aggregate classification (germline): Uncertain significance. Review status: criteria provided, multiple submitters, no conflicts (2 of 4 stars). 2 submissions from 2 submitters: Uncertain significance (2). Last evaluated 2025-07-29.

gnomAD v4.1: 20 of 1,612,996 alleles (0.0012%); highest among the groups gnomAD compares: Non-Finnish European, 0.0017%; no homozygotes.

Submissions (2):

Labcorp Genetics (formerly Invitae), Labcorp
Classification: Uncertain significance. Last evaluated: 2025-07-29. Review status: criteria provided, single submitter. Criteria: Invitae Variant Classification Sherloc (09022015). Collection method: clinical testing. Allele origin: germline.
Comment: This sequence change replaces serine, which is neutral and polar, with cysteine, which is neutral and slightly polar, at codon 1171 of the COL4A4 protein (p.Ser1171Cys). This variant is present in population databases (rs370914840, gnomAD 0.004%). This variant has not been reported in the literature in individuals affected with COL4A4-related conditions. Invitae Evidence Modeling of protein sequence and biophysical properties (such as structural, functional, and spatial information, amino acid conservation, physicochemical variation, residue mobility, and thermodynamic stability) indicates that this missense variant is not expected to disrupt COL4A4 protein function with a negative predictive value of 95%. In summary, the available evidence is currently insufficient to determine the role of this variant in disease. Therefore, it has been classified as a Variant of Uncertain Significance.

Blueprint Genetics
Classification: Uncertain significance. Last evaluated: 2018-08-27. Review status: criteria provided, single submitter. Criteria: ACMG Guidelines, 2015. Collection method: clinical testing. Allele origin: germline.